The following is an entry in ClinVar:

NM_001347674.1(KRTAP5-4):c.127G>A (p.Gly43Arg)

Gene: KRTAP5-4 (keratin associated protein 5-4; minus strand). Cytogenetic location: 11p15.5.
Variant type: single nucleotide variant.
Coding change: c.127G>A on transcript NM_001347674.1 (MANE Select); coding-DNA position 127, G replaced by A.
Protein change: p.Gly43Arg; replaces glycine 43 with arginine.
Molecular consequence: missense variant.
Genome position (GRCh38, 1-based): chr11:1,621,967, C>T on the plus strand (G>A on the coding strand, the complement: KRTAP5-4 is on the minus strand). VCF-style: chr11-1621967-C-T. GRCh37 (hg19) VCF-style: chr11-1643197-C-T.
Other names: c.127G>A (NM_001012709.1); short protein forms G43R.
Identifiers: ClinVar variation 4095732 (VCV004095732.1).

ClinVar aggregate classification (germline): Uncertain significance (1 of 4 stars; one submission).

Submission:

Ambry Genetics
Classification: Uncertain significance. Last evaluated: 2025-08-20. Review status: criteria provided, single submitter. Criteria: Ambry Variant Classification Scheme 2023. Collection method: clinical testing. Allele origin: germline.
Comment: The c.127G>A (p.G43R) alteration is located in exon (coding exon ) of the KRTAP5-4 gene. This alteration results from a G to A substitution at nucleotide position 127, causing the glycine (G) at amino acid position 43 to be replaced by an arginine (R). Based on insufficient or conflicting evidence, the clinical significance of this alteration remains unclear.